The following is an entry in ClinVar:

NM_001291867.2(NHS):c.4297G>A (p.Val1433Met)

Gene: NHS (NHS actin remodeling regulator; plus strand). Cytogenetic location: Xp22.13.
Variant type: single nucleotide variant.
Coding change: c.4297G>A on transcript NM_001291867.2 (MANE Select); coding-DNA position 4297, G replaced by A.
Protein change: p.Val1433Met; replaces valine 1433 with methionine.
Molecular consequence: missense variant.
Genome position (GRCh38, 1-based): chrX:17,728,723, G>A. VCF-style: chrX-17728723-G-A. GRCh37 (hg19) VCF-style: chrX-17746843-G-A.
Other names: c.3766G>A, p.Val1256Met (NM_001136024.4); c.3703G>A, p.Val1235Met (NM_001291868.2); c.4234G>A, p.Val1412Met (NM_198270.4); short protein forms V1256M, V1412M, V1433M, V1235M.
Identifiers: ClinVar variation 871040 (VCV000871040.42), dbSNP rs1007858515, ClinGen allele CA326968358.

ClinVar aggregate classification (germline): Uncertain significance. Review status: criteria provided, multiple submitters, no conflicts (2 of 4 stars). 2 submissions from 2 submitters: Uncertain significance (2). Last evaluated 2025-09-27.

Conditions:
Nance-Horan syndrome (NHS). Identifiers: Orphanet 627, MedGen C0796085, MONDO:0010545, OMIM 302350.

Allele frequency attached by ClinVar (database versions not stated): gnomAD exomes 0.00001; TOPMed 0.00002.
gnomAD v4.1: 7 of 1,209,016 alleles (0.00058%); highest among the groups gnomAD compares: African/African-American, 0.007%; no homozygotes.

Submissions (2):

Labcorp Genetics (formerly Invitae), Labcorp
Classification: Uncertain significance for Nance-Horan syndrome. Last evaluated: 2025-09-27. Review status: criteria provided, single submitter. Criteria: Invitae Variant Classification Sherloc (09022015). Collection method: clinical testing. Allele origin: germline.
Comment: This sequence change replaces valine, which is neutral and non-polar, with methionine, which is neutral and non-polar, at codon 1412 of the NHS protein (p.Val1412Met). This variant is present in population databases (no rsID available, gnomAD 0.006%), including at least one homozygous and/or hemizygous individual. This variant has not been reported in the literature in individuals affected with NHS-related conditions. ClinVar contains an entry for this variant (Variation ID: 871040). Invitae Evidence Modeling of protein sequence and biophysical properties (such as structural, functional, and spatial information, amino acid conservation, physicochemical variation, residue mobility, and thermodynamic stability) indicates that this missense variant is not expected to disrupt NHS protein function with a negative predictive value of 80%. In summary, the available evidence is currently insufficient to determine the role of this variant in disease. Therefore, it has been classified as a Variant of Uncertain Significance.

CeGaT Center for Human Genetics Tuebingen
Classification: Uncertain significance. Last evaluated: 2019-07-01. Review status: criteria provided, single submitter. Criteria: CeGaT Center For Human Genetics Tuebingen Variant Classification Criteria Version 2. Collection method: clinical testing. Allele origin: germline. Affected: yes. Observed: 1 variant allele.